The following is an entry in ClinVar:

NM_000260.4(MYO7A):c.832del (p.Tyr278fs)

Gene: MYO7A (myosin VIIA; plus strand). Cytogenetic location: 11q13.5.
Variant type: Deletion.
Coding change: c.832del on transcript NM_000260.4 (MANE Select); coding-DNA position 832, one base deleted (T; older notation c.832delT).
Protein change: p.Tyr278fs; shifts the reading frame from tyrosine 278.
Molecular consequence: frameshift variant.
Genome position (GRCh38, 1-based): chr11:77,157,375, T deleted. VCF-style (leftmost placement, unchanged base first): chr11-77157374-CT-C. GRCh37 (hg19) VCF-style: chr11-76868420-CT-C.
Other names: c.832del, p.Tyr278fs (NM_001127180.2); c.799del, p.Tyr267fs (NM_001369365.1); short protein forms Y267fs, Y278fs.
Identifiers: ClinVar variation 3601505 (VCV003601505.1).

ClinVar aggregate classification (germline): Pathogenic (1 of 4 stars; one submission).

Conditions:
Autosomal recessive nonsyndromic hearing loss 2. Also called: NEUROSENSORY NONSYNDROMIC RECESSIVE DEAFNESS 2; DEAFNESS, AUTOSOMAL RECESSIVE 2. Identifiers: Orphanet 90636, MedGen C1838701, MONDO:0010807, OMIM 600060.

Submission:

Institute of Rare Diseases, West China Hospital, Sichuan University
Classification: Pathogenic for Autosomal recessive nonsyndromic hearing loss 2. Last evaluated: 2025-01-09. Review status: criteria provided, single submitter. Criteria: ClinGen HL ACMG Specifications v1. Collection method: research. Allele origin: germline. Affected: yes.
Comment: PVS1;PM3;PM2_Supporting